The following continues an entry in ClinVar:

NM_000059.4(BRCA2):c.9154C>T (p.Arg3052Trp)

Gene: BRCA2. ClinVar aggregate classification (germline): Pathogenic. Pathogenic (1).

Submissions 19 to 38 of 41:

Quest Diagnostics Nichols Institute San Juan Capistrano
Classification: Pathogenic. Last evaluated: 2021-08-02. Review status: criteria provided, single submitter. Criteria: Quest Diagnostics criteria. Collection method: clinical testing. Allele origin: unknown. Not counted in ClinVar's aggregate classification.
Comment: The frequency of this variant in the general population, 0.000029 (1/34578 chromosomes), is uninformative in assessment of its pathogenicity. In the published literature, the variant has been reported in individuals with breast cancer, ovarian cancer and in healthy controls (PMID: 28724667 (2017), 28283652 (2017), 26845104 (2016), 26221963 (2015), 24728189 (2014), 24504028 (2014), 21520273 (2011), 19563646 (2009), 19200354 (2009)). In addition, functional studies in the published literature demonstrate that this variant is damaging to BRCA2 protein function (PMID: 29394989 (2018), 28283652 (2017), 25146914 (2014), 18607349 (2008), 18451181 (2008)) and has been classified as pathogenic in multifactorial analyses (PMID: 23108138 (2013), 20513136 (2010)). Based on the available information, this variant is classified as pathogenic.

Women's Health and Genetics/Laboratory Corporation of America, LabCorp
Classification: Pathogenic for Hereditary breast ovarian cancer syndrome. Last evaluated: 2021-01-15. Review status: criteria provided, single submitter. Criteria: LabCorp Variant Classification Summary - May 2015. Collection method: clinical testing. Allele origin: germline. Not counted in ClinVar's aggregate classification.
Comment: Variant summary: BRCA2 c.9154C>T (p.Arg3052Trp) results in a non-conservative amino acid change located in the OB3 domain of the encoded protein sequence. Five of five in-silico tools predict a damaging effect of the variant on protein function. The variant allele was found at a frequency of 1.2e-05 in 251190 control chromosomes. c.9154C>T has been reported in the literature in multiple individuals affected with Hereditary Breast And Ovarian Cancer Syndrome (e.g. Farrugia_2008, GomezGarcia_2009). These data indicate that the variant is very likely to be associated with disease. At least one publication reports experimental evidence evaluating an impact on protein function. The most pronounced variant effect results in <10% of normal activity (Farrugia_2008, Kuznetsov_2008, Walker_2010). Ninteen clinical diagnostic laboratories have submitted clinical-significance assessments for this variant to ClinVar after 2014 without evidence for independent evaluation. All laboratories classified the variant as pathogenic. Based on the evidence outlined above, the variant was classified as pathogenic.

GeneKor MSA
Classification: Pathogenic for Hereditary Breast Carcinoma. Last evaluated: 2020-01-01. Review status: criteria provided, single submitter. Criteria: ACMG Guidelines, 2015. Collection method: clinical testing. Allele origin: germline. Affected: yes. Not counted in ClinVar's aggregate classification.
Comment: This is a single base substitution replacing Arginine with Tryptophan at codon 3052 of the BRCA2 protein. The arginine residue is highly conserved and there is a large physicochemical difference between arginine and tryptophan (Grantham Score 101). Algorithms developed to predict the effect of missense changes on protein structure and function suggest that this variant is likely to be damaging to the protein. This variant has been described in the international literature in patients affected with breast cancer (PMID: 18451181, PMID: 19200354 , BMC Cancer. 2009, 9:211; PMID: 21520273, PMID: 24504028). Experimental studies have shown that this missense change results in the loss of DNA repair activity of the encoded protein product in vitro (PMID: 18451181,PMID: 18607349). The mutation database ClinVar contains entries for this variant (Variation ID: 52763).

Mendelics
Classification: Pathogenic for Hereditary breast and ovarian cancer syndrome. Last evaluated: 2018-07-02. Review status: criteria provided, single submitter. Criteria: Mendelics Assertion Criteria 2017. Collection method: clinical testing. Allele origin: unknown. Not counted in ClinVar's aggregate classification.

Clinical Genetics and Genomics, Karolinska University Hospital
Classification: Pathogenic. Last evaluated: 2018-01-25. Review status: criteria provided, single submitter. Criteria: ACMG Guidelines, 2015. Collection method: clinical testing. Allele origin: germline. Affected: yes. Observed: 1 variant allele. Not counted in ClinVar's aggregate classification.

Department of Pathology and Molecular Medicine, Queen's University
Classification: Pathogenic for Hereditary breast ovarian cancer syndrome. Last evaluated: 2017-04-20. Review status: criteria provided, single submitter. Criteria: ACMG Guidelines, 2015. Collection method: clinical testing. Allele origin: germline. Study: The Canadian Open Genetics Repository (COGR). Not counted in ClinVar's aggregate classification.

Genologica Medica
Classification: Pathogenic for Breast-ovarian cancer, familial, susceptibility to, 2. Last evaluated: 2017-01-01. Review status: criteria provided, single submitter. Criteria: ACMG Guidelines, 2015. Collection method: clinical testing. Allele origin: germline. Affected: yes. Not counted in ClinVar's aggregate classification.

CHEO Genetics Diagnostic Laboratory, Children's Hospital of Eastern Ontario
Classification: Pathogenic for Breast and/or ovarian cancer. Last evaluated: 2016-11-01. Review status: criteria provided, single submitter. Criteria: ACMG Guidelines, 2015. Collection method: clinical testing. Allele origin: germline. Study: Canadian Open Genetics Repository. Not counted in ClinVar's aggregate classification.

University of Washington Department of Laboratory Medicine, University of Washington
Classification: Pathogenic for Breast-ovarian cancer, familial, susceptibility to, 1. Last evaluated: 2015-11-20. Review status: criteria provided, single submitter. Criteria: Shirts et al. (Genet Med 2016). Collection method: clinical testing. Allele origin: germline. Observed: 1 variant allele. Not counted in ClinVar's aggregate classification.

Consortium of Investigators of Modifiers of BRCA1/2 (CIMBA), c/o University of Cambridge
Classification: Pathogenic for Breast-ovarian cancer, familial, susceptibility to, 2. Last evaluated: 2015-10-02. Review status: criteria provided, single submitter. Criteria: CIMBA Mutation Classification guidelines May 2016. Collection method: clinical testing. Allele origin: germline. Not counted in ClinVar's aggregate classification.

Clinical Genetics DNA and cytogenetics Diagnostics Lab, Erasmus MC, Erasmus Medical Center
Classification: Pathogenic for Breast-ovarian cancer, familial, susceptibility to, 2. Last evaluated: 2015-09-21. Review status: criteria provided, single submitter. Criteria: ACGS Guidelines, 2013. Collection method: clinical testing. Allele origin: germline. Affected: yes. Study: VKGL Data-share Consensus. Not counted in ClinVar's aggregate classification.

Department of Medical Genetics, Oslo University Hospital
Classification: Pathogenic for Breast-ovarian cancer, familial, susceptibility to, 2. Last evaluated: 2015-07-01. Review status: criteria provided, single submitter. Criteria: ACMG Guidelines, 2015. Collection method: clinical testing. Allele origin: germline. Affected: yes. Observed: 9 variant alleles. Not counted in ClinVar's aggregate classification.

Genome Diagnostics Laboratory, University Medical Center Utrecht
Classification: Pathogenic for Breast-ovarian cancer, familial, susceptibility to, 2. Last evaluated: 2014-10-08. Review status: criteria provided, single submitter. Criteria: ACGS Guidelines, 2013. Collection method: clinical testing. Allele origin: germline. Affected: yes. Study: VKGL Data-share Consensus. Not counted in ClinVar's aggregate classification.

Genesis Genomics
Classification: Pathogenic for Pancreatic cancer, susceptibility to, 2. Review status: criteria provided, single submitter. Criteria: ACMG Guidelines, 2015. Collection method: clinical testing. Allele origin: germline. Affected: yes. Observed: 1 variant allele. Not counted in ClinVar's aggregate classification.

BRCAlab, Lund University
Classification: Pathogenic for Breast-ovarian cancer, familial, susceptibility to, 2. Last evaluated: 2020-03-02. Review status: no assertion criteria provided. Collection method: clinical testing. Allele origin: germline. Affected: yes. Not counted in ClinVar's aggregate classification.

True Health Diagnostics
Classification: Pathogenic for Hereditary cancer-predisposing syndrome. Last evaluated: 2017-11-10. Review status: no assertion criteria provided. Collection method: clinical testing. Allele origin: germline. Not counted in ClinVar's aggregate classification.

Counsyl
Classification: Pathogenic for Breast-ovarian cancer, familial, susceptibility to, 2. Last evaluated: 2017-04-10. Review status: no assertion criteria provided. Collection method: clinical testing. Allele origin: unknown. Not counted in ClinVar's aggregate classification.

Research Molecular Genetics Laboratory, Women's College Hospital, University of Toronto
Classification: Pathogenic for Hereditary breast ovarian cancer syndrome. Last evaluated: 2014-01-31. Review status: no assertion criteria provided. Collection method: research. Allele origin: germline. Affected: yes. Study: The Canadian Open Genetics Repository (COGR). Not counted in ClinVar's aggregate classification.

Sharing Clinical Reports Project (SCRP)
Classification: Pathogenic for Breast-ovarian cancer, familial 2. Last evaluated: 2012-11-28. Review status: no assertion criteria provided. Collection method: clinical testing. Allele origin: germline. Not counted in ClinVar's aggregate classification.

Breast Cancer Information Core (BIC) (BRCA2)
Classification: Uncertain significance for Breast-ovarian cancer, familial 2. Last evaluated: 2002-05-29. Review status: no assertion criteria provided. Collection method: clinical testing. Allele origin: germline. Affected: yes. Observed: 8 variant alleles. Not counted in ClinVar's aggregate classification.